The following is an entry in ClinVar:

NM_001371986.1(UNC80):c.2327A>T (p.Glu776Val)

Gene: UNC80 (unc-80 homolog, NALCN channel complex subunit; plus strand). Cytogenetic location: 2q34.
Variant type: single nucleotide variant.
Coding change: c.2327A>T on transcript NM_001371986.1 (MANE Select); coding-DNA position 2327, A replaced by T.
Protein change: p.Glu776Val; replaces glutamic acid 776 with valine.
Molecular consequence: missense variant.
Genome position (GRCh38, 1-based): chr2:209,820,675, A>T. VCF-style: chr2-209820675-A-T. GRCh37 (hg19) VCF-style: chr2-210685399-A-T.
Other names: c.2327A>T, p.Glu776Val (NM_032504.2, NM_182587.4); short protein forms E776V.
Identifiers: ClinVar variation 1928505 (VCV001928505.2), dbSNP rs1287399630, ClinGen allele CA350137146.

ClinVar aggregate classification (germline): Uncertain significance (1 of 4 stars; one submission).

Allele frequency attached by ClinVar (database versions not stated): gnomAD exomes below 0.00001; TOPMed below 0.00001.
gnomAD v4.1: 2 of 1,539,112 alleles (0.00013%); highest among the groups gnomAD compares: Middle Eastern, 0.017%; no homozygotes.

Submission:

Labcorp Genetics (formerly Invitae), Labcorp
Classification: Uncertain significance. Last evaluated: 2022-08-19. Review status: criteria provided, single submitter. Criteria: Invitae Variant Classification Sherloc (09022015). Collection method: clinical testing. Allele origin: germline.
Comment: This sequence change replaces glutamic acid, which is acidic and polar, with valine, which is neutral and non-polar, at codon 776 of the UNC80 protein (p.Glu776Val). This variant is present in population databases (no rsID available, gnomAD 0.002%). This variant has not been reported in the literature in individuals affected with UNC80-related conditions. Algorithms developed to predict the effect of missense changes on protein structure and function are either unavailable or do not agree on the potential impact of this missense change (SIFT: "Not Available"; PolyPhen-2: "Benign"; Align-GVGD: "Not Available"). In summary, the available evidence is currently insufficient to determine the role of this variant in disease. Therefore, it has been classified as a Variant of Uncertain Significance.